The following is an entry in ClinVar:

ClinVar aggregate classification (germline): Uncertain significance (1 of 4 stars; one submission).

Conditions:
Hereditary cancer-predisposing syndrome. Also called: Neoplastic Syndromes, Hereditary; Hereditary Cancer Syndrome; Hereditary neoplastic syndrome; Tumor predisposition. Identifiers: Orphanet 140162, MedGen C0027672, MeSH D009386, MONDO:0015356.

Submission:

Ambry Genetics
Classification: Uncertain significance for Hereditary cancer-predisposing syndrome. Last evaluated: 2023-05-25. Review status: criteria provided, single submitter. Criteria: Ambry Variant Classification Scheme 2023. Collection method: clinical testing. Allele origin: germline.
Comment: The p.L965R variant (also known as c.2894T>G), located in coding exon 25 of the POLE gene, results from a T to G substitution at nucleotide position 2894. The leucine at codon 965 is replaced by arginine, an amino acid with dissimilar properties. This amino acid position is conserved. In addition, this alteration is predicted to be deleterious by in silico analysis. Since supporting evidence is limited at this time, the clinical significance of this alteration remains unclear.

NM_006231.4(POLE):c.2894T>G (p.Leu965Arg)

Gene: POLE (DNA polymerase epsilon, catalytic subunit; minus strand). Cytogenetic location: 12q24.33.
Variant type: single nucleotide variant.
Coding change: c.2894T>G on transcript NM_006231.4 (MANE Select); coding-DNA position 2894, T replaced by G.
Protein change: p.Leu965Arg; replaces leucine 965 with arginine.
Molecular consequence: missense variant.
Genome position (GRCh38, 1-based): chr12:132,661,135, A>C on the plus strand (T>G on the coding strand, the complement: POLE is on the minus strand). VCF-style: chr12-132661135-A-C. GRCh37 (hg19) VCF-style: chr12-133237721-A-C.
Other names: short protein forms L965R.
Identifiers: ClinVar variation 2562944 (VCV002562944.2), dbSNP rs757899756, ClinGen allele CA387392818.
Genomic context (GRCh38, chr12:132,661,135, plus strand): 5'-AAGATCTTAATCAGCTGCAGTTCCCCGCGGCGTTTGACCTCAAAGCCCTTGAGCTCAGCC[A>C]GAGAACCGTCTTCATTGAACACAGCATACCTGAAAAAAAAAAAAAAGGCAAGCACAGCAG-3'
Protein context (NP_006222.2, residues 955-975): RYAVFNEDGS[Leu965Arg]AELKGFEVKR